The following is an entry in ClinVar:

NM_000492.4(CFTR):c.164+1G>T

Gene: CFTR (CF transmembrane conductance regulator; plus strand). Cytogenetic location: 7q31.2.
Variant type: single nucleotide variant.
Coding change: c.164+1G>T on transcript NM_000492.4 (MANE Select); the canonical splice donor site of the intron after coding-DNA position 164, G replaced by T.
Molecular consequence: splice donor variant.
Genome position (GRCh38, 1-based): chr7:117,504,364, G>T. VCF-style: chr7-117504364-G-T. GRCh37 (hg19) VCF-style: chr7-117144418-G-T.
Other names: 296+1G->T.
Identifiers: ClinVar variation 53305 (VCV000053305.17), dbSNP rs397508243, ClinGen allele CA326564.
Genomic context (GRCh38, chr7:117,504,364, plus strand): 5'-AGACATATACCAAATCCCTTCTGTTGATTCTGCTGACAATCTATCTGAAAAATTGGAAAG[G>T]TATGTTCATGTACATTGTTTAGTTGAAGAGAGAAATTCATATTATTAATTATTTAGAGAA-3'

ClinVar aggregate classification (germline): Pathogenic. Review status: reviewed by expert panel (3 of 4 stars). 9 submissions from 9 submitters: Pathogenic (1). 8 of the submissions do not count toward it. Last evaluated 2017-03-17.

Conditions:
CFTR-related disorder (CFTR-RD). Also called: CFTR-related disorders; CFTR-related condition. Identifiers: MedGen C5924204, MONDO:7770004.
Cystic fibrosis (CF). Also called: MUCOVISCIDOSIS. Identifiers: Orphanet 586, MedGen C0010674, MONDO:0009061, OMIM 219700. Disease mechanism: loss of function.
Bronchiectasis with or without elevated sweat chloride 1 (BESC1). Also called: Cystic Fibrosis-Like Syndrome. Identifiers: Orphanet 60033, MedGen C2749757, MONDO:0008887, OMIM 211400.

Submissions (9):

CFTR2
Classification: Pathogenic for Cystic fibrosis. Last evaluated: 2017-03-17. Review status: reviewed by expert panel. Criteria: Sosnay PR et al. (Nat Genet 2013). Collection method: research. Allele origin: germline. Affected: yes. Study: CFTR2.

Natera, Inc.
Classification: Likely pathogenic for CFTR-related disorders. Last evaluated: 2025-07-10. Review status: criteria provided, single submitter. Criteria: Natera Variant Classification Schema (03/2026). Collection method: clinical testing. Allele origin: germline. Not counted in ClinVar's aggregate classification.
Comment: The c.164+1G>T variant in CFTR is a canonical splice donor site variant predicted to affect pre-mRNA splicing, which may result in an abnormal transcript and altered protein product. This variant is expected to result in nonsense mediated decay, truncation, or a dysfunctional protein product. This variant is rare in the general population with a frequency below the threshold expected for the associated phenotype(s). This variant has been observed in one or more individuals affected with the associated recessive disease, as either homozygous or compound heterozygous with a second variant (PMID: 33919435, 32635564, 30081288). Given the available evidence, this variant is classified as Likely Pathogenic.

Labcorp Genetics (formerly Invitae), Labcorp
Classification: Pathogenic for Cystic fibrosis. Last evaluated: 2024-01-20. Review status: criteria provided, single submitter. Criteria: Invitae Variant Classification Sherloc (09022015). Collection method: clinical testing. Allele origin: germline. Not counted in ClinVar's aggregate classification.
Comment: This sequence change affects a donor splice site in intron 2 of the CFTR gene. It is expected to disrupt RNA splicing. Variants that disrupt the donor or acceptor splice site typically lead to a loss of protein function (PMID: 16199547), and loss-of-function variants in CFTR are known to be pathogenic (PMID: 1695717, 7691345, 9725922). This variant is not present in population databases (gnomAD no frequency). Disruption of this splice site has been observed in individual(s) with clinical features of cystic fibrosis (PMID: 11810271, 26900683). ClinVar contains an entry for this variant (Variation ID: 53305). Algorithms developed to predict the effect of sequence changes on RNA splicing suggest that this variant may disrupt the consensus splice site. For these reasons, this variant has been classified as Pathogenic.

Baylor Genetics
Classification: Pathogenic for Bronchiectasis with or without elevated sweat chloride 1. Last evaluated: 2023-03-02. Review status: criteria provided, single submitter. Criteria: ACMG Guidelines, 2015. Collection method: clinical testing. Allele origin: unknown. Not counted in ClinVar's aggregate classification.

Institute of Human Genetics, University of Leipzig Medical Center
Classification: Likely pathogenic for Cystic fibrosis. Last evaluated: 2022-09-05. Review status: criteria provided, single submitter. Criteria: ACMG Guidelines, 2015. Collection method: curation. Allele origin: unknown. Affected: yes. Observed: 2 variant alleles. Not counted in ClinVar's aggregate classification.
Comment: This variant was identified in 2 unrelated patients with a clinically confirmed diagnosis of cystic fibrosis. The variant was classified in the context of a project re-classifying variants in the German Cystic Fibrosis Registry (Muko.e.V.). Criteria applied: PVS1_MOD, PS1_SUP, PM2_SUP, PM3_STR, PP4

Ambry Genetics
Classification: Likely pathogenic for Cystic fibrosis. Last evaluated: 2022-06-15. Review status: criteria provided, single submitter. Criteria: Ambry Variant Classification Scheme 2023. Collection method: clinical testing. Allele origin: germline. Not counted in ClinVar's aggregate classification.
Comment: The c.164+1G>T intronic variant results from a G to T substitution one nucleotide after coding exon 2 of the CFTR gene. This variant was reported in one individual with bronchiectasis with a second CFTR variant; however, phase was not provided (Pagin A et al. PLoS One, 2016 Feb;11:e0149426). This nucleotide position is highly conserved in available vertebrate species. In silico splice site analysis predicts that this alteration will weaken the native splice donor site. Alterations that disrupt the canonical splice site are expected to cause aberrant splicing, resulting in an abnormal protein or a transcript that is subject to nonsense-mediated mRNA decay. As such, this alteration is classified as likely pathogenic.

Women's Health and Genetics/Laboratory Corporation of America, LabCorp
Classification: Pathogenic for Cystic fibrosis. Last evaluated: 2019-06-10. Review status: criteria provided, single submitter. Criteria: LabCorp Variant Classification Summary - May 2015. Collection method: clinical testing. Allele origin: germline. Not counted in ClinVar's aggregate classification.
Comment: Variant summary: CFTR c.164+1G>T is located in a canonical splice-site and is predicted to affect mRNA splicing resulting in a significantly altered protein due to either exon skipping, shortening, or inclusion of intronic material. Several computational tools predict a significant impact on normal splicing: Four predict the variant abolishes a 5 splicing donor site. One predict the variant weakens a 5' donor site. However, these predictions have yet to be confirmed by functional studies. The variant was absent in 249608 control chromosomes (gnomAD). The variant, c.164+1G>T, has been reported in the literature in individuals affected with Cystic Fibrosis, idiopathic chronic pancreatitis or bronchiectasis (Estivill_1997, Audrezet_2008, Dorfman_2010, Pagin_2016, Sapiejka_2018). These data indicate that the variant is likely to be associated with disease. To our knowledge, no experimental evidence demonstrating an impact on protein function has been reported. Two ClinVar submissions from other clinical diagnostic laboratories (evaluation after 2014) cite the variant as pathogenic. Based on the evidence outlined above, the variant was classified as pathogenic.

Counsyl
Classification: Pathogenic for Cystic fibrosis. Last evaluated: 2018-01-05. Review status: no assertion criteria provided. Collection method: clinical testing. Allele origin: unknown. Not counted in ClinVar's aggregate classification.

ClinVar Staff, National Center for Biotechnology Information (NCBI)
No classification provided. Condition: CFTR-related disorders. Review status: no classification provided. Collection method: literature only. Allele origin: germline. Affected: yes. Not counted in ClinVar's aggregate classification.

Literature cited by the submitters: PubMed 33919435 (cited by Natera, Inc.); PubMed 32635564 (cited by Natera, Inc.); PubMed 30081288 (cited by Natera, Inc. and Women's Health and Genetics/Laboratory Corporation of America, LabCorp); PubMed 16199547 (cited by Labcorp Genetics (formerly Invitae), Labcorp); PubMed 1695717 (cited by Labcorp Genetics (formerly Invitae), Labcorp); PubMed 7691345 (cited by Labcorp Genetics (formerly Invitae), Labcorp); PubMed 9725922 (cited by Labcorp Genetics (formerly Invitae), Labcorp); PubMed 11810271 (cited by Labcorp Genetics (formerly Invitae), Labcorp); PubMed 26900683 (cited by 3 submitters); PubMed 9259197 (cited by Women's Health and Genetics/Laboratory Corporation of America, LabCorp); PubMed 18687795 (cited by Women's Health and Genetics/Laboratory Corporation of America, LabCorp); PubMed 20059485 (cited by Women's Health and Genetics/Laboratory Corporation of America, LabCorp and ClinVar Staff, National Center for Biotechnology Information (NCBI)).